The following is an entry in ClinVar:

NM_001110556.2(FLNA):c.4598+1G>A

Gene: FLNA (filamin A; minus strand). Cytogenetic location: Xq28.
Variant type: single nucleotide variant.
Coding change: c.4598+1G>A on transcript NM_001110556.2 (MANE Select); the canonical splice donor site of the intron after coding-DNA position 4598, G replaced by A.
Molecular consequence: splice donor variant.
Genome position (GRCh38, 1-based): chrX:154,358,444, C>T on the plus strand (G>A on the coding strand, the complement: FLNA is on the minus strand). VCF-style: chrX-154358444-C-T. GRCh37 (hg19) VCF-style: chrX-153586812-C-T.
Other names: c.4598+1G>A (NM_001456.4, NM_001456.3).
Identifiers: ClinVar variation 2035128 (VCV002035128.6), dbSNP rs2522735557, ClinGen allele CA415215192.

ClinVar aggregate classification (germline): Pathogenic/Likely pathogenic. Review status: criteria provided, multiple submitters, no conflicts (2 of 4 stars). 3 submissions from 3 submitters: Pathogenic (1); Likely pathogenic (2). Last evaluated 2025-07-02.

Conditions:
Frontometaphyseal dysplasia 1 (FMD1). Also called: Frontometaphyseal Dysplasia (FLNA-FMD). Identifiers: Orphanet 1826, MedGen C4281559, MONDO:0024550, OMIM 305620.
Heterotopia, periventricular, X-linked dominant (PVNH1). Also called: PERIVENTRICULAR NODULAR HETEROTOPIA 1; X-linked periventricular heterotopia; PERIVENTRICULAR NODULAR HETEROTOPIA 4; HETEROTOPIA, PERIVENTRICULAR, 1. Identifiers: Orphanet 2149, Orphanet 82004, MedGen C1848213, MONDO:0010233, OMIM 300049.
Intestinal pseudoobstruction, neuronal, chronic idiopathic, X-linked (CIIPX). Also called: CONGENITAL IDIOPATHIC INTESTINAL PSEUDOOBSTRUCTION; INTESTINAL PSEUDOOBSTRUCTION, NEURONAL, CHRONIC IDIOPATHIC, WITH CENTRAL NERVOUS SYSTEM INVOLVEMENT; FLNA-Related Periventricular Nodular Heterotopia (FLNA-Related PVNH; Huttenlocher Syndrome). Identifiers: Orphanet 2301, MedGen C2746068, MONDO:0010232, OMIM 300048.
Terminal osseous dysplasia-pigmentary defects syndrome. Also called: ODPF SYNDROME; OSSEOUS DYSPLASIA, DIGITAL, WITH FACIAL PIGMENTARY DEFECTS AND MULTIPLE FRENULA; ODPD; TERMINAL OSSEOUS DYSPLASIA AND PIGMENTARY DEFECTS; Terminal Osseous Dysplasia (FLNA-TOD). Identifiers: Orphanet 88630, MedGen C1846129, MONDO:0010279, OMIM 300244.
Oto-palato-digital syndrome, type I (OPD1). Also called: OPD I SYNDROME; OPD SYNDROME 1; Taybi syndrome; Otopalatodigital Syndrome, Type I; Otopalatodigital Syndrome Type 1 (FLNA-OPD1). Identifiers: Orphanet 669, Orphanet 90650, MedGen C0265251, MONDO:0010704, OMIM 311300.
Cardiac valvular dysplasia, X-linked (CVDPX). Also called: FLNA-Related X-linked Cardiac Valvular Dysplasia; MYXOMATOUS VALVULAR DYSTROPHY, X-LINKED; VALVULAR HEART DISEASE, CONGENITAL; Congenital valvular dysplasia; Isolated X-Linked Cardiac Valvular Dysplasia. Identifiers: Orphanet 1864, Orphanet 555877, Orphanet 75497, MedGen C0262436, MONDO:0010753, OMIM 314400.
Oto-palato-digital syndrome, type II (OPD2). Also called: FACIOPALATOOSSEOUS SYNDROME; OPD II SYNDROME; Otopalatodigital Syndrome, Type II; Otopalatodigital Syndrome Type 2 (FLNA-OPD2). Identifiers: Orphanet 669, Orphanet 90652, MedGen C1844696, MONDO:0010571, OMIM 304120.
FG syndrome 2 (FGS2). Identifiers: MedGen C1845902, MONDO:0010297, OMIM 300321.
Melnick-Needles syndrome (MNS). Also called: MELNICK-NEEDLES OSTEODYSPLASTY; OSTEODYSPLASTY OF MELNICK AND NEEDLES; Melnick-Needles Syndrome (FLNA-MNS). Identifiers: Orphanet 2484, MedGen C0025237, MONDO:0010650, OMIM 309350.
Frontometaphyseal dysplasia (FMD1). Identifiers: Orphanet 1826, MedGen C0265293, MONDO:0015942.

Submissions (3):

Labcorp Genetics (formerly Invitae), Labcorp
Classification: Likely pathogenic for Oto-palato-digital syndrome, type II; Heterotopia, periventricular, X-linked dominant; Frontometaphyseal dysplasia; Melnick-Needles syndrome. Last evaluated: 2025-07-02. Review status: criteria provided, single submitter. Criteria: Invitae Variant Classification Sherloc (09022015). Collection method: clinical testing. Allele origin: germline.
Comment: This sequence change affects a donor splice site in intron 27 of the FLNA gene. It is expected to disrupt RNA splicing. Variants that disrupt the donor or acceptor splice site typically lead to a loss of protein function (PMID: 16199547), and loss-of-function variants in FLNA are known to be pathogenic (PMID: 16684786, 20730588, 26471271). This variant is not present in population databases (gnomAD no frequency). This variant has not been reported in the literature in individuals affected with FLNA-related conditions. ClinVar contains an entry for this variant (Variation ID: 2035128). Algorithms developed to predict the effect of sequence changes on RNA splicing suggest that this variant may disrupt the consensus splice site. In summary, the currently available evidence indicates that the variant is pathogenic, but additional data are needed to prove that conclusively. Therefore, this variant has been classified as Likely Pathogenic.

Clinical Genetics Service, Universitary Hospital 12 de Octubre
Classification: Likely pathogenic for Heterotopia, periventricular, X-linked dominant. Review status: criteria provided, single submitter. Criteria: ACMG Guidelines, 2015. Collection method: clinical testing. Allele origin: germline. Affected: yes.

Juno Genomics, Hangzhou Juno Genomics, Inc
Classification: Pathogenic for FG syndrome 2; Cardiac valvular dysplasia, X-linked; Intestinal pseudoobstruction, neuronal, chronic idiopathic, X-linked; Frontometaphyseal dysplasia 1; Heterotopia, periventricular, X-linked dominant; Melnick-Needles syndrome; Oto-palato-digital syndrome, type I; Oto-palato-digital syndrome, type II; Terminal osseous dysplasia-pigmentary defects syndrome. Review status: criteria provided, single submitter. Criteria: ACMG Guidelines, 2015. Collection method: clinical testing. Allele origin: germline. Affected: yes.
Comment: Absent from controls (or at extremely low frequency if recessive) in Genome Aggregation Database, Exome Sequencing Project, 1000 Genomes Project, or Exome Aggregation Consortium.;De novo (both maternity and paternity confirmed) in a patient with the disease and no family history.;Null variant in a gene where loss of function (LOF) is a known mechanism of disease.

Literature cited by the submitters: PubMed 16199547 (cited by Labcorp Genetics (formerly Invitae), Labcorp); PubMed 16684786 (cited by Labcorp Genetics (formerly Invitae), Labcorp); PubMed 20730588 (cited by Labcorp Genetics (formerly Invitae), Labcorp); PubMed 26471271 (cited by Labcorp Genetics (formerly Invitae), Labcorp).